The following is an entry in ClinVar:

ClinVar aggregate classification (germline): Uncertain significance. Review status: criteria provided, multiple submitters, no conflicts (2 of 4 stars). 4 submissions from 4 submitters: Uncertain significance (4). Last evaluated 2024-01-04.

Conditions:
Familial cold autoinflammatory syndrome 1 (FCAS1). Also called: CRYOPYRIN-ASSOCIATED PERIODIC SYNDROME 1; Familial cold inflammatory syndrome 1. Identifiers: Orphanet 47045, MedGen C4551895, MONDO:0007349, OMIM 120100.
Keratitis fugax hereditaria. Also called: KERATOENDOTHELIITIS FUGAX HEREDITARIA. Identifiers: Orphanet 647815, MedGen C1835697, MONDO:0007849, OMIM 148200.
Hearing loss, autosomal dominant 34, with or without inflammation. Also called: DEAFNESS, AUTOSOMAL DOMINANT 34, WITH OR WITHOUT INFLAMMATION. Identifiers: MedGen C4521680, MONDO:0033261, OMIM 617772.
Familial amyloid nephropathy with urticaria AND deafness (MWS). Also called: Urticaria, deafness and amyloidosis; UDA SYNDROME; URTICARIA-DEAFNESS-AMYLOIDOSIS SYNDROME; CRYOPYRIN-ASSOCIATED PERIODIC SYNDROME 2; MUCKLE-WELLS SYNDROME. Identifiers: Orphanet 575, MedGen C0268390, MONDO:0008633, OMIM 191900.
Chronic infantile neurological, cutaneous and articular syndrome (CINCA). Also called: Prieur Griscelli syndrome; CHRONIC NEUROLOGIC CUTANEOUS AND ARTICULAR SYNDROME; CRYOPYRIN-ASSOCIATED PERIODIC SYNDROME 3; CINCA syndrome. Identifiers: Orphanet 1451, MedGen C0409818, MONDO:0011776, OMIM 607115.
Inborn genetic diseases. Identifiers: MedGen C0950123, MeSH D030342.
Cryopyrin associated periodic syndrome (CAPS). Identifiers: Orphanet 208650, MedGen C2316212, MONDO:0016168.

Allele frequency attached by ClinVar (database versions not stated): TOPMed 0.00001; gnomAD 0.00002; gnomAD exomes 0.00002.

Submissions (4):

Fulgent Genetics
Classification: Uncertain significance for Familial cold autoinflammatory syndrome 1; Keratitis fugax hereditaria; Familial amyloid nephropathy with urticaria AND deafness; Chronic infantile neurological, cutaneous and articular syndrome; Hearing loss, autosomal dominant 34, with or without inflammation. Last evaluated: 2024-01-04. Review status: criteria provided, single submitter. Criteria: ACMG Guidelines, 2015. Collection method: clinical testing. Allele origin: germline.

Labcorp Genetics (formerly Invitae), Labcorp
Classification: Uncertain significance for Cryopyrin associated periodic syndrome. Last evaluated: 2022-10-11. Review status: criteria provided, single submitter. Criteria: Invitae Variant Classification Sherloc (09022015). Collection method: clinical testing. Allele origin: germline.
Comment: In summary, the available evidence is currently insufficient to determine the role of this variant in disease. Therefore, it has been classified as a Variant of Uncertain Significance. Advanced modeling of protein sequence and biophysical properties (such as structural, functional, and spatial information, amino acid conservation, physicochemical variation, residue mobility, and thermodynamic stability) has been performed at Invitae for this missense variant, however the output from this modeling did not meet the statistical confidence thresholds required to predict the impact of this variant on NLRP3 protein function. This variant has not been reported in the literature in individuals affected with NLRP3-related conditions. The frequency data for this variant in the population databases is considered unreliable, as metrics indicate poor data quality at this position in the gnomAD database. This sequence change replaces valine, which is neutral and non-polar, with methionine, which is neutral and non-polar, at codon 144 of the NLRP3 protein (p.Val144Met).

Ambry Genetics
Classification: Uncertain significance for Inborn genetic diseases. Last evaluated: 2022-09-06. Review status: criteria provided, single submitter. Criteria: Ambry Variant Classification Scheme 2023. Collection method: clinical testing. Allele origin: germline.

ARUP Laboratories, Molecular Genetics and Genomics, ARUP Laboratories
Classification: Uncertain significance. Last evaluated: 2022-06-27. Review status: criteria provided, single submitter. Criteria: ARUP Molecular Germline Variant Investigation Process 2021. Collection method: clinical testing. Allele origin: germline.
Comment: The NLRP3 c.430G>A; p.Val144Met variant (rs1284696978), to our knowledge, is not reported in the medical literature or gene specific databases. This variant is only observed on two allele in the Genome Aggregation Database, indicating it is not a common polymorphism. The valine at codon 144 is highly conserved, but computational analyses are uncertain whether this variant is neutral or deleterious (REVEL: 0.414). Due to limited information, the clinical significance of this variant is uncertain at this time.

NM_001243133.2(NLRP3):c.424G>A (p.Val142Met)

Gene: NLRP3 (NLR family pyrin domain containing 3; plus strand). Cytogenetic location: 1q44.
Variant type: single nucleotide variant.
Coding change: c.424G>A on transcript NM_001243133.2 (MANE Select); coding-DNA position 424, G replaced by A.
Protein change: p.Val142Met; replaces valine 142 with methionine.
Molecular consequence: missense variant.
Genome position (GRCh38, 1-based): chr1:247,423,873, G>A. VCF-style: chr1-247423873-G-A. GRCh37 (hg19) VCF-style: chr1-247587175-G-A.
Other names: c.424G>A, p.Val142Met (NM_001127461.3, NM_001127462.3, NM_183395.3 and 1 more transcripts); c.430G>A, p.Val144Met (NM_004895.5); short protein forms V142M, V144M.
Identifiers: ClinVar variation 2310401 (VCV002310401.9), dbSNP rs1284696978, ClinGen allele CA345554634.